The following is an entry in ClinVar:

NM_014491.4(FOXP2):c.1264C>T (p.Pro422Ser)

Gene: FOXP2 (forkhead box P2; plus strand). Cytogenetic location: 7q31.1.
Variant type: single nucleotide variant.
Coding change: c.1264C>T on transcript NM_014491.4 (MANE Select); coding-DNA position 1264, C replaced by T.
Protein change: p.Pro422Ser; replaces proline 422 with serine.
Molecular consequence: missense variant. On other transcripts: non-coding transcript variant (2).
Genome position (GRCh38, 1-based): chr7:114,654,007, C>T. VCF-style: chr7-114654007-C-T. GRCh37 (hg19) VCF-style: chr7-114294062-C-T.
Other names: c.1261C>T, p.Pro421Ser (NM_001172766.3); c.1339C>T, p.Pro447Ser (NM_001172767.2, NM_148898.4); c.1264C>T, p.Pro422Ser (NM_148899.3); c.1315C>T, p.Pro439Ser (NM_148900.4); short protein forms P421S, P422S, P439S, P447S.
Identifiers: ClinVar variation 1695208 (VCV001695208.33), dbSNP rs751931499, ClinGen allele CA4446040.

ClinVar aggregate classification (germline): Conflicting classifications of pathogenicity. Review status: criteria provided, conflicting classifications (1 of 4 stars). 2 submissions from 2 submitters: Uncertain significance (1); Likely benign (1). Last evaluated 2022-06-01.

Conditions:
Childhood apraxia of speech (SPCH1). Also called: Speech language disorder; DEVELOPMENTAL VERBAL DYSPRAXIA; SPEECH AND LANGUAGE DISORDER WITH OROFACIAL DYSPRAXIA; FOXP2-Related Speech and Language Disorder. Identifiers: Orphanet 209908, MedGen C0750927, MONDO:0011184, OMIM 602081.

Allele frequency attached by ClinVar (database versions not stated): gnomAD exomes 0.00006; ExAC 0.00007.

Submissions (2):

CeGaT Center for Human Genetics Tuebingen
Classification: Likely benign. Last evaluated: 2022-06-01. Review status: criteria provided, single submitter. Criteria: CeGaT Center For Human Genetics Tuebingen Variant Classification Criteria Version 2. Collection method: clinical testing. Allele origin: germline. Affected: yes. Observed: 1 variant allele.
Comment: FOXP2: PP3, BS2

MGZ Medical Genetics Center
Classification: Uncertain significance for Childhood apraxia of speech. Last evaluated: 2022-03-16. Review status: criteria provided, single submitter. Criteria: ACMG Guidelines, 2015. Collection method: clinical testing. Allele origin: germline. Affected: yes. Observed: 2 variant alleles.
Comment: ACMG criteria applied: PM2_SUP, PP3